The following is an entry in ClinVar:

NM_017570.5(OPLAH):c.1118C>T (p.Ser373Leu)

Gene: OPLAH (5-oxoprolinase, ATP-hydrolysing; minus strand). Cytogenetic location: 8q24.3.
Variant type: single nucleotide variant.
Coding change: c.1118C>T on transcript NM_017570.5 (MANE Select); coding-DNA position 1118, C replaced by T.
Protein change: p.Ser373Leu; replaces serine 373 with leucine.
Molecular consequence: missense variant.
Genome position (GRCh38, 1-based): chr8:144,057,894, G>A on the plus strand (C>T on the coding strand, the complement: OPLAH is on the minus strand). VCF-style: chr8-144057894-G-A. GRCh37 (hg19) VCF-style: chr8-145112797-G-A.
Other names: short protein forms S373L.
Identifiers: ClinVar variation 3711159 (VCV003711159.2).
Genomic context (GRCh38, chr8:144,057,894, plus strand): 5'-CCGGCCAGATCCTGACTCTTACCTTTGCGGTAGCAGGCGGGTCCTGGGTGGGCTCCTGCT[G>A]ACTCGGGCCCAACCACAAAGAGGCCAGACCTAGGGGAAGGAAGGGCTGGGGTTGGAGTTG-3'
Protein context (NP_060040.1, residues 363-383): RSGLFVVGPE[Ser373Leu]AGAHPGPACY

ClinVar aggregate classification (germline): Uncertain significance (1 of 4 stars; one submission).

Conditions:
5-Oxoprolinase deficiency (OPLAHD). Also called: 5-OXOPROLINURIA DUE TO 5-OXOPROLINASE DEFICIENCY. Identifiers: Orphanet 33572, MedGen C0268525, MONDO:0009825, OMIM 260005, HP:0040142.

Submission:

Labcorp Genetics (formerly Invitae), Labcorp
Classification: Uncertain significance for 5-Oxoprolinase deficiency. Last evaluated: 2024-12-14. Review status: criteria provided, single submitter. Criteria: Invitae Variant Classification Sherloc (09022015). Collection method: clinical testing. Allele origin: germline.
Comment: This sequence change replaces serine, which is neutral and polar, with leucine, which is neutral and non-polar, at codon 373 of the OPLAH protein (p.Ser373Leu). This variant is present in population databases (rs782812758, gnomAD 0.004%). This variant has not been reported in the literature in individuals affected with OPLAH-related conditions. Experimental studies and prediction algorithms are not available or were not evaluated, and the functional significance of this variant is currently unknown. In summary, the available evidence is currently insufficient to determine the role of this variant in disease. Therefore, it has been classified as a Variant of Uncertain Significance.